The following is an entry in ClinVar:

ClinVar aggregate classification (germline): Uncertain significance (1 of 4 stars; one submission).

Submission:

GeneDx
Classification: Uncertain significance. Last evaluated: 2024-02-26. Review status: criteria provided, single submitter. Criteria: GeneDx Variant Classification Process June 2021. Collection method: clinical testing. Allele origin: germline. Affected: yes.
Comment: Has not been previously published as pathogenic or benign to our knowledge; Not observed at significant frequency in large population cohorts (gnomAD); Canonical splice site variant with an unclear effect on protein function

NM_001486.4(GCKR):c.1065_1066+7del

Gene: GCKR (glucokinase regulator; plus strand). Cytogenetic location: 2p23.3.
Variant type: Deletion.
Coding change: c.1065_1066+7del on transcript NM_001486.4 (MANE Select); coding-DNA position 1065 through 7 bases into the intron after coding-DNA position 1066, 9 bases deleted (TGGTGGGAC; older notation c.1065_1066+7delTGGTGGGAC).
Molecular consequence: splice donor variant.
Genome position (GRCh38, 1-based): chr2:27,506,884-27,506,892, TGGTGGGAC deleted; deleting any 9 consecutive bases within chr2:27,506,883-27,506,892 gives the same sequence; the c. name uses the placement nearest the transcript's 3' end. VCF-style (leftmost placement, unchanged base first): chr2-27506882-GCTGGTGGGA-G. GRCh37 (hg19) VCF-style: chr2-27729749-GCTGGTGGGA-G.
Identifiers: ClinVar variation 3369466 (VCV003369466.1).
Genomic context (GRCh38, chr2:27,506,882, plus strand): 5'-TGGCAGACCCTGGGCATCATTGCCATCATGGATGGAGTAGAGTGCATCCACACCTTTGGT[GCTGGTGGGA>G]CCCCAGTCCAGATGTTCTTCCTGCTTCCTCCTGATCCCAACCATTCGGGCTGCTCTCCAA-3'